The following is an entry in ClinVar:

ClinVar aggregate classification (germline): Uncertain significance (1 of 4 stars; one submission).

gnomAD v4.1: 2 of 1,613,782 alleles (0.00012%); highest among the groups gnomAD compares: African/African-American, 0.0013%; no homozygotes.

Submission:

Labcorp Genetics (formerly Invitae), Labcorp
Classification: Uncertain significance. Last evaluated: 2026-01-27. Review status: criteria provided, single submitter. Criteria: Invitae Variant Classification Sherloc (09022015). Collection method: clinical testing. Allele origin: germline.
Comment: This sequence change replaces threonine, which is neutral and polar, with serine, which is neutral and polar, at codon 124 of the FBXO11 protein (p.Thr124Ser). This variant is not present in population databases (gnomAD no frequency). This variant has not been reported in the literature in individuals affected with FBXO11-related conditions. An algorithm developed to predict the effect of missense changes on protein structure and function (PolyPhen-2) suggests that this variant is likely to be tolerated. In summary, the available evidence is currently insufficient to determine the role of this variant in disease. Therefore, it has been classified as a Variant of Uncertain Significance.

NM_001190274.2(FBXO11):c.371C>G (p.Thr124Ser)

Gene: FBXO11 (F-box protein 11; minus strand). Cytogenetic location: 2p16.3.
Variant type: single nucleotide variant.
Coding change: c.371C>G on transcript NM_001190274.2 (MANE Select); coding-DNA position 371, C replaced by G.
Protein change: p.Thr124Ser; replaces threonine 124 with serine.
Molecular consequence: missense variant.
Genome position (GRCh38, 1-based): chr2:47,839,490, G>C on the plus strand (C>G on the coding strand, the complement: FBXO11 is on the minus strand). VCF-style: chr2-47839490-G-C. GRCh37 (hg19) VCF-style: chr2-48066629-G-C.
Other names: c.119C>G, p.Thr40Ser (NM_001374325.1, NM_025133.4); short protein forms T124S, T40S.
Identifiers: ClinVar variation 4727982 (VCV004727982.1).